The following is an entry in ClinVar:

NM_000283.4(PDE6B):c.928-175G>A

Genes: PDE6B (phosphodiesterase 6B; plus strand), PDE6B-AS1 (PDE6B antisense RNA 1; minus strand). Cytogenetic location: 4p16.3.
Variant type: single nucleotide variant.
Coding change: c.928-175G>A on transcript NM_000283.4 (MANE Select); 175 bases into the intron before coding-DNA position 928, G replaced by A.
Molecular consequence: intron variant.
Genome position (GRCh38, 1-based): chr4:654,649, G>A. VCF-style: chr4-654649-G-A. GRCh37 (hg19) VCF-style: chr4-648438-G-A.
Other names: c.928-175G>A (NM_001145291.2); c.91-175G>A (NM_001379246.1, NM_001379247.1, NM_001145292.2 and 1 more transcripts); c.-113-175G>A (NM_001350155.3).
Identifiers: ClinVar variation 1326694 (VCV001326694.34), dbSNP rs116353162, ClinGen allele CA11769493.
Genomic context (GRCh38, chr4:654,649, plus strand): 5'-CATGTGTGTGCACCCTGAGCCTGTGCATGTGTGGACATGGGTGTGAGTGCACCCGCATTC[G>A]TAGAATACCTGCGCACGGCGGAGACATCTGTTCACGTGTGTACACATGCACGGTTACGTG-3'

ClinVar aggregate classification (germline): Benign/Likely benign. Review status: criteria provided, multiple submitters, no conflicts (2 of 4 stars). 3 submissions from 3 submitters: Benign (1); Likely benign (2). Last evaluated 2023-02-01.

Allele frequency attached by ClinVar (database versions not stated): 1000 Genomes Project 0.00459; 1000 Genomes Project 30x 0.00468; TOPMed 0.00726; gnomAD 0.00842 and 0.00847; gnomAD exomes 0.01000.
gnomAD v4.1: 6,753 of 705,826 alleles (0.96%); highest among the groups gnomAD compares: Non-Finnish European, 1.3%; 53 homozygotes.

Submissions (3):

CeGaT Center for Human Genetics Tuebingen
Classification: Benign. Last evaluated: 2023-02-01. Review status: criteria provided, single submitter. Criteria: CeGaT Center For Human Genetics Tuebingen Variant Classification Criteria Version 2. Collection method: clinical testing. Allele origin: germline. Affected: yes. Observed: 3 variant alleles.
Comment: PDE6B: BS1, BS2; PDE6B-AS1: BS1, BS2

GeneDx
Classification: Likely benign. Last evaluated: 2021-05-24. Review status: criteria provided, single submitter. Criteria: GeneDx Variant Classification Process June 2021. Collection method: clinical testing. Allele origin: germline. Affected: yes.

Breakthrough Genomics
Classification: Likely benign. Review status: criteria provided, single submitter. Criteria: ACMG Guidelines, 2015. Collection method: not provided. Allele origin: germline. Inheritance: Autosomal recessive inheritance. Affected: yes.